The following is an entry in ClinVar:

ClinVar aggregate classification (germline): Uncertain significance. Review status: criteria provided, multiple submitters, no conflicts (2 of 4 stars). 3 submissions from 3 submitters: Uncertain significance (3). Last evaluated 2025-02-24.

Allele frequency attached by ClinVar (database versions not stated): ExAC 0.00003; gnomAD exomes 0.00006; TOPMed 0.00011; gnomAD 0.00012 and 0.00014.
gnomAD v4.1: 245 of 1,613,508 alleles (0.015%); highest among the groups gnomAD compares: Non-Finnish European, 0.02%; no homozygotes.

Submissions (3):

Labcorp Genetics (formerly Invitae), Labcorp
Classification: Uncertain significance. Last evaluated: 2025-02-24. Review status: criteria provided, single submitter. Criteria: Invitae Variant Classification Sherloc (09022015). Collection method: clinical testing. Allele origin: germline.
Comment: This sequence change replaces arginine, which is basic and polar, with histidine, which is basic and polar, at codon 877 of the RBBP8 protein (p.Arg877His). This variant is present in population databases (rs201195506, gnomAD 0.01%). This variant has not been reported in the literature in individuals affected with RBBP8-related conditions. ClinVar contains an entry for this variant (Variation ID: 326235). Invitae Evidence Modeling of protein sequence and biophysical properties (such as structural, functional, and spatial information, amino acid conservation, physicochemical variation, residue mobility, and thermodynamic stability) indicates that this missense variant is expected to disrupt RBBP8 protein function with a positive predictive value of 80%. In summary, the available evidence is currently insufficient to determine the role of this variant in disease. Therefore, it has been classified as a Variant of Uncertain Significance.

Blueprint Genetics
Classification: Uncertain significance. Last evaluated: 2023-09-21. Review status: criteria provided, single submitter. Criteria: ACMG Guidelines, 2015. Collection method: clinical testing. Allele origin: germline.

Genetic Services Laboratory, University of Chicago
Classification: Uncertain significance. Last evaluated: 2015-11-11. Review status: criteria provided, single submitter. Criteria: ACMG Guidelines, 2015. Collection method: clinical testing. Allele origin: germline. Affected: no.

NM_002894.3(RBBP8):c.2630G>A (p.Arg877His)

Gene: RBBP8 (RB binding protein 8, endonuclease; plus strand). Cytogenetic location: 18q11.2.
Variant type: single nucleotide variant.
Coding change: c.2630G>A on transcript NM_002894.3 (MANE Select); coding-DNA position 2630, G replaced by A.
Protein change: p.Arg877His; replaces arginine 877 with histidine.
Molecular consequence: missense variant.
Genome position (GRCh38, 1-based): chr18:23,026,176, G>A. VCF-style: chr18-23026176-G-A. GRCh37 (hg19) VCF-style: chr18-20606139-G-A.
Other names: c.2630G>A, p.Arg877His (NM_203291.2); c.2533G>A, p.Val845Ile (NM_203292.2); short protein forms R877H, V845I.
Identifiers: ClinVar variation 326235 (VCV000326235.14), dbSNP rs201195506, ClinGen allele CA8910429.